The following is an entry in ClinVar:

NM_004984.4(KIF5A):c.1589A>G (p.Glu530Gly)

Gene: KIF5A (kinesin family member 5A; plus strand). Cytogenetic location: 12q13.3.
Variant type: single nucleotide variant.
Coding change: c.1589A>G on transcript NM_004984.4 (MANE Select); coding-DNA position 1589, A replaced by G.
Protein change: p.Glu530Gly; replaces glutamic acid 530 with glycine.
Molecular consequence: missense variant.
Genome position (GRCh38, 1-based): chr12:57,572,599, A>G. VCF-style: chr12-57572599-A-G. GRCh37 (hg19) VCF-style: chr12-57966382-A-G.
Other names: c.1322A>G, p.Glu441Gly (NM_001354705.2); short protein forms E530G, E441G.
Identifiers: ClinVar variation 2067826 (VCV002067826.4), dbSNP rs2540504858, ClinGen allele CA385507575.

ClinVar aggregate classification (germline): Uncertain significance (1 of 4 stars; one submission).

Conditions:
Spastic paraplegia. Identifiers: MedGen C0037772, HP:0001258.

Submission:

Labcorp Genetics (formerly Invitae), Labcorp
Classification: Uncertain significance for Spastic paraplegia. Last evaluated: 2021-12-31. Review status: criteria provided, single submitter. Criteria: Invitae Variant Classification Sherloc (09022015). Collection method: clinical testing. Allele origin: germline.
Comment: This variant is not present in population databases (gnomAD no frequency). This variant has not been reported in the literature in individuals affected with KIF5A-related conditions. Advanced modeling of protein sequence and biophysical properties (such as structural, functional, and spatial information, amino acid conservation, physicochemical variation, residue mobility, and thermodynamic stability) performed at Invitae indicates that this missense variant is not expected to disrupt KIF5A protein function. In summary, the available evidence is currently insufficient to determine the role of this variant in disease. Therefore, it has been classified as a Variant of Uncertain Significance. This sequence change replaces glutamic acid, which is acidic and polar, with glycine, which is neutral and non-polar, at codon 530 of the KIF5A protein (p.Glu530Gly).